The following is an entry in ClinVar:

ClinVar aggregate classification (germline): Uncertain significance. Review status: criteria provided, multiple submitters, no conflicts (2 of 4 stars). 2 submissions from 2 submitters: Uncertain significance (2). Last evaluated 2023-03-21.

Allele frequency attached by ClinVar (database versions not stated): gnomAD exomes 0.00002 and 0.00004; ExAC 0.00003; gnomAD 0.00003 and 0.00004; TOPMed 0.00003.
gnomAD v4.1: 35 of 1,611,666 alleles (0.0022%); highest among the groups gnomAD compares: South Asian, 0.0088%; no homozygotes.

Submissions (2):

Blueprint Genetics
Classification: Uncertain significance. Last evaluated: 2023-03-21. Review status: criteria provided, single submitter. Criteria: ACMG Guidelines, 2015. Collection method: clinical testing. Allele origin: germline.

Labcorp Genetics (formerly Invitae), Labcorp
Classification: Uncertain significance. Last evaluated: 2022-08-13. Review status: criteria provided, single submitter. Criteria: Invitae Variant Classification Sherloc (09022015). Collection method: clinical testing. Allele origin: germline.
Comment: This sequence change replaces arginine, which is basic and polar, with tryptophan, which is neutral and slightly polar, at codon 1480 of the KIAA1549 protein (p.Arg1480Trp). This variant is present in population databases (rs751853285, gnomAD 0.01%). This variant has not been reported in the literature in individuals affected with KIAA1549-related conditions. ClinVar contains an entry for this variant (Variation ID: 999876). Algorithms developed to predict the effect of missense changes on protein structure and function (SIFT, PolyPhen-2, Align-GVGD) all suggest that this variant is likely to be disruptive. In summary, the available evidence is currently insufficient to determine the role of this variant in disease. Therefore, it has been classified as a Variant of Uncertain Significance.

NM_001164665.2(KIAA1549):c.4438C>T (p.Arg1480Trp)

Gene: KIAA1549 (KIAA1549; minus strand). Cytogenetic location: 7q34.
Variant type: single nucleotide variant.
Coding change: c.4438C>T on transcript NM_001164665.2 (MANE Select); coding-DNA position 4438, C replaced by T.
Protein change: p.Arg1480Trp; replaces arginine 1480 with tryptophan.
Molecular consequence: missense variant.
Genome position (GRCh38, 1-based): chr7:138,871,270, G>A on the plus strand (C>T on the coding strand, the complement: KIAA1549 is on the minus strand). VCF-style: chr7-138871270-G-A. GRCh37 (hg19) VCF-style: chr7-138556016-G-A.
Other names: c.4438C>T, p.Arg1480Trp (NM_020910.3); short protein forms R1480W.
Identifiers: ClinVar variation 999876 (VCV000999876.7), dbSNP rs751853285, ClinGen allele CA4505899.